The following is an entry in ClinVar:

NM_178857.6(RP1L1):c.5602C>T (p.Gln1868Ter)

Gene: RP1L1 (RP1 like 1). Cytogenetic location: 8p23.1.
Variant type: single nucleotide variant.
Coding change: c.5602C>T on transcript NM_178857.6 (MANE Select); coding-DNA position 5602, C replaced by T.
Protein change: p.Gln1868Ter; replaces glutamine 1868 with a stop codon.
Molecular consequence: nonsense.
Genome position (GRCh38, 1-based): chr8:10,608,496, G>A on the plus strand (C>T on the coding strand, the complement: RP1L1 is on the minus strand). VCF-style: chr8-10608496-G-A. GRCh37 (hg19) VCF-style: chr8-10466006-G-A.
Other names: short protein forms Q1868*.
Identifiers: ClinVar variation 620240 (VCV000620240.2), dbSNP rs1045490638, ClinGen allele CA171940718.

ClinVar aggregate classification (germline): Likely pathogenic (1 of 4 stars; one submission).

Allele frequency attached by ClinVar (database versions not stated): gnomAD exomes below 0.00001 and 0.00001; TOPMed 0.00001.
gnomAD v4.1: 4 of 1,311,348 alleles (0.00031%); highest among the groups gnomAD compares: Non-Finnish European, 0.00043%; no homozygotes.

Submission:

GeneDx
Classification: Likely pathogenic. Last evaluated: 2021-03-16. Review status: criteria provided, single submitter. Criteria: GeneDx Variant Classification Process June 2021. Collection method: clinical testing. Allele origin: germline. Affected: yes.
Comment: Nonsense variant in the C-terminus predicted to result in protein truncation, as the last 533 amino acids are lost, and other loss-of-function variants have been reported downstream in the Human Gene Mutation Database (Stenson et al., 2014); Not observed at a significant frequency in large population cohorts (Lek et al., 2016); Has not been previously published as pathogenic or benign to our knowledge